The following is an entry in ClinVar:

NM_003159.3(CDKL5):c.2999G>A (p.Arg1000Lys)

Genes: CDKL5 (cyclin dependent kinase like 5; plus strand), RS1 (retinoschisin 1; minus strand). Cytogenetic location: Xp22.13.
Variant type: single nucleotide variant.
Coding change: c.2999G>A on transcript NM_003159.3; coding-DNA position 2999, G replaced by A.
Protein change: p.Arg1000Lys; replaces arginine 1000 with lysine.
Molecular consequence: missense variant. On other transcripts: intron variant (1).
Genome position (GRCh38, 1-based): chrX:18,653,450, G>A. VCF-style: chrX-18653450-G-A. GRCh37 (hg19) VCF-style: chrX-18671570-G-A.
Other names: c.2999G>A, p.Arg1000Lys (NM_001037343.2); c.184+3203C>T (NM_000330.4); short protein forms R1000K.
Identifiers: ClinVar variation 3378172 (VCV003378172.2).

ClinVar aggregate classification (germline): Conflicting classifications of pathogenicity. Review status: criteria provided, conflicting classifications (1 of 4 stars). 2 submissions from 2 submitters: Uncertain significance (1); Likely benign (1). Last evaluated 2025-10-06.

Conditions:
Developmental and epileptic encephalopathy, 2 (DEE2). Also called: CDKL5 deficiency disorder; INFANTILE SPASM SYNDROME, X-LINKED 2. Identifiers: Orphanet 1934, Orphanet 3451, Orphanet 505652, MedGen C4750718, MONDO:0010396, OMIM 300672.
Angelman syndrome-like. Identifiers: MedGen CN128785.

gnomAD v4.1: 5 of 1,209,501 alleles (0.00041%); highest among the groups gnomAD compares: Admixed American, 0.0044%; no homozygotes.

Submissions (2):

Labcorp Genetics (formerly Invitae), Labcorp
Classification: Uncertain significance for Developmental and epileptic encephalopathy, 2; Angelman syndrome-like. Last evaluated: 2025-10-06. Review status: criteria provided, single submitter. Criteria: Invitae Variant Classification Sherloc (09022015). Collection method: clinical testing. Allele origin: germline.
Comment: This sequence change replaces arginine, which is basic and polar, with lysine, which is basic and polar, at codon 1000 of the CDKL5 protein (p.Arg1000Lys). This variant is present in population databases (rs766531184, gnomAD 0.004%). This variant has not been reported in the literature in individuals affected with CDKL5-related conditions. ClinVar contains an entry for this variant (Variation ID: 3378172). Invitae Evidence Modeling of protein sequence and biophysical properties (such as structural, functional, and spatial information, amino acid conservation, physicochemical variation, residue mobility, and thermodynamic stability) indicates that this missense variant is not expected to disrupt CDKL5 protein function with a negative predictive value of 95%. In summary, the available evidence is currently insufficient to determine the role of this variant in disease. Therefore, it has been classified as a Variant of Uncertain Significance.

GeneDx
Classification: Likely benign. Last evaluated: 2024-05-13. Review status: criteria provided, single submitter. Criteria: GeneDx Variant Classification Process June 2021. Collection method: clinical testing. Allele origin: germline. Affected: yes.
Comment: See Variant Classification Assertion Criteria.